The following is an entry in ClinVar:

NC_000005.9:g.(?_178537853)_(178772463_?)del

Gene: ADAMTS2 (ADAM metallopeptidase with thrombospondin type 1 motif 2; minus strand). Cytogenetic location: 5q35.3.
Variant type: Deletion.
Identifiers: ClinVar variation 4535867 (VCV004535867.1).

ClinVar aggregate classification (germline): Pathogenic (1 of 4 stars; one submission).

Conditions:
Ehlers-Danlos syndrome, dermatosparaxis type. Also called: Ehlers-Danlos syndrome, type VII, autosomal recessive; EDS VIIC; Dermatosparaxis. Identifiers: Orphanet 1901, MedGen C2700425, MONDO:0009161, OMIM 225410.

Submission:

Women's Health and Genetics/Laboratory Corporation of America, LabCorp
Classification: Pathogenic for Ehlers-Danlos syndrome, dermatosparaxis type. Last evaluated: 2025-09-03. Review status: criteria provided, single submitter. Criteria: LabCorp Variant Classification Summary - May 2015. Collection method: clinical testing. Allele origin: germline.
Comment: Variant summary: The variant involves the deletion of exons 1-22 in the ADAMTS2 gene. A presumed nomenclature of c.(?_-134)_(*3015_?)del has been designated for the purposes of this classification. This deletion includes the entire coding sequence of the gene. As the exact proximal and distal breakpoints are unknown, it may extend beyond the annotated region of the gene to include other flanking genes. The variant was absent in 21694 control chromosomes. To our knowledge, no occurrence of c.(?_-134)_(*3015_?)del in individuals affected with ADAMTS2-related conditions and no experimental evidence demonstrating its impact on protein function have been reported. No submitters have cited clinical-significance assessments for this variant to ClinVar. Based on the evidence outlined above, the variant was classified as pathogenic.